The following is an entry in ClinVar:

ClinVar aggregate classification (germline): Pathogenic (1 of 4 stars; one submission).

Conditions:
Duchenne muscular dystrophy (DMD). Also called: Duchenne Muscular Dystrophy (DMD); MUSCULAR DYSTROPHY, PSEUDOHYPERTROPHIC PROGRESSIVE, DUCHENNE TYPE. Identifiers: Orphanet 98896, MedGen C0013264, MONDO:0010679, OMIM 310200.

Submission:

Labcorp Genetics (formerly Invitae), Labcorp
Classification: Pathogenic for Duchenne muscular dystrophy. Last evaluated: 2021-09-15. Review status: criteria provided, single submitter. Criteria: Invitae Variant Classification Sherloc (09022015). Collection method: clinical testing. Allele origin: germline.
Comment: For these reasons, this variant has been classified as Pathogenic. A similar copy number variant has been observed in individual(s) with Duchenne muscular dystrophy (PMID: 31139960). This variant is a gross deletion of the genomic region encompassing exon(s) 3-45 of the DMD gene. This deletion is out-of-frame, and is expected to create a premature termination codon and result in an absent or disrupted protein product. Loss-of-function variants in DMD are known to be pathogenic (PMID: 16770791, 25007885).

Literature cited by the submitters: PubMed 31139960; PubMed 16770791; PubMed 25007885.

NC_000023.10:g.(?_31986436)_(32867957_?)del

Gene: DMD (dystrophin; minus strand). Cytogenetic location: Xp21.1.
Variant type: Deletion.
Identifiers: ClinVar variation 1457537 (VCV001457537.5).